The following is an entry in ClinVar:

ClinVar aggregate classification (germline): Uncertain significance. Review status: criteria provided, multiple submitters, no conflicts (2 of 4 stars). 2 submissions from 2 submitters: Uncertain significance (2). Last evaluated 2023-02-21.

Conditions:
Combined oxidative phosphorylation defect type 17. Also called: Combined oxidative phosphorylation deficiency 17. Identifiers: Orphanet 369913, MedGen C3809526, MONDO:0014190, OMIM 615440.

Allele frequency attached by ClinVar (database versions not stated): gnomAD exomes below 0.00001; ExAC 0.00001; gnomAD 0.00001.
gnomAD v4.1: 2 of 1,614,044 alleles (0.00012%); highest among the groups gnomAD compares: African/African-American, 0.0013%; no homozygotes.

Submissions (2):

Mayo Clinic Laboratories, Mayo Clinic
Classification: Uncertain significance. Last evaluated: 2023-02-21. Review status: criteria provided, single submitter. Criteria: ACMG Guidelines, 2015. Collection method: clinical testing. Allele origin: germline. Observed: 1 variant allele.

Labcorp Genetics (formerly Invitae), Labcorp
Classification: Uncertain significance for Combined oxidative phosphorylation defect type 17. Last evaluated: 2022-09-13. Review status: criteria provided, single submitter. Criteria: Invitae Variant Classification Sherloc (09022015). Collection method: clinical testing. Allele origin: germline.
Comment: This sequence change replaces proline, which is neutral and non-polar, with alanine, which is neutral and non-polar, at codon 265 of the ELAC2 protein (p.Pro265Ala). This variant is present in population databases (rs754951722, gnomAD 0.002%). This variant has not been reported in the literature in individuals affected with ELAC2-related conditions. Advanced modeling of protein sequence and biophysical properties (such as structural, functional, and spatial information, amino acid conservation, physicochemical variation, residue mobility, and thermodynamic stability) performed at Invitae indicates that this missense variant is expected to disrupt ELAC2 protein function. In summary, the available evidence is currently insufficient to determine the role of this variant in disease. Therefore, it has been classified as a Variant of Uncertain Significance.

NM_018127.7(ELAC2):c.793C>G (p.Pro265Ala)

Gene: ELAC2 (elaC ribonuclease Z 2; minus strand). Cytogenetic location: 17p12.
Variant type: single nucleotide variant.
Coding change: c.793C>G on transcript NM_018127.7 (MANE Select); coding-DNA position 793, C replaced by G.
Protein change: p.Pro265Ala; replaces proline 265 with alanine.
Molecular consequence: missense variant.
Genome position (GRCh38, 1-based): chr17:13,005,925, G>C on the plus strand (C>G on the coding strand, the complement: ELAC2 is on the minus strand). VCF-style: chr17-13005925-G-C. GRCh37 (hg19) VCF-style: chr17-12909242-G-C.
Other names: p.Pro265Ala; c.673C>G, p.Pro225Ala (NM_001165962.2); c.793C>G, p.Pro265Ala (NM_173717.2); short protein forms P265A, P225A.
Identifiers: ClinVar variation 2189892 (VCV002189892.2), dbSNP rs754951722, ClinGen allele CA8401496.